The following is an entry in ClinVar:

ClinVar aggregate classification (germline): Uncertain significance. Review status: criteria provided, multiple submitters, no conflicts (2 of 4 stars). 2 submissions from 2 submitters: Uncertain significance (2). Last evaluated 2025-09-03.

Conditions:
Congenital contractural arachnodactyly (CCA). Also called: Arthrogryposis, distal, type 9; BEALS SYNDROME; Beals-Hecht syndrome. Identifiers: Orphanet 115, MedGen C0220668, MONDO:0007363, OMIM 121050.

Allele frequency attached by ClinVar (database versions not stated): TOPMed below 0.00001.
gnomAD v4.1: 2 of 1,614,052 alleles (0.00012%); highest among the groups gnomAD compares: Non-Finnish European, 0.00017%; no homozygotes.

Submissions (2):

Labcorp Genetics (formerly Invitae), Labcorp
Classification: Uncertain significance for Congenital contractural arachnodactyly. Last evaluated: 2025-09-03. Review status: criteria provided, single submitter. Criteria: Invitae Variant Classification Sherloc (09022015). Collection method: clinical testing. Allele origin: germline.
Comment: This sequence change replaces glutamine, which is neutral and polar, with histidine, which is basic and polar, at codon 481 of the FBN2 protein (p.Gln481His). This variant is not present in population databases (gnomAD no frequency). This variant has not been reported in the literature in individuals affected with FBN2-related conditions. ClinVar contains an entry for this variant (Variation ID: 1192077). Invitae Evidence Modeling of protein sequence and biophysical properties (such as structural, functional, and spatial information, amino acid conservation, physicochemical variation, residue mobility, and thermodynamic stability) indicates that this missense variant is not expected to disrupt FBN2 protein function with a negative predictive value of 95%. In summary, the available evidence is currently insufficient to determine the role of this variant in disease. Therefore, it has been classified as a Variant of Uncertain Significance.

GeneDx
Classification: Uncertain significance. Last evaluated: 2019-06-25. Review status: criteria provided, single submitter. Criteria: GeneDx Variant Classification Process June 2021. Collection method: clinical testing. Allele origin: germline. Affected: yes.
Comment: Has not been previously published as pathogenic or benign to our knowledge; Not observed in large population cohorts (Lek et al., 2016); In silico analysis, which includes protein predictors and evolutionary conservation, supports that this variant does not alter protein structure/function; Does not affect a cysteine residue within a calcium-binding EGF-like domain of the FBN2 gene; cysteine substitutions in the calcium-binding EGF-like domains represent the majority of pathogenic missense changes associated with FBN2-related disorders (Collod-Beroud et al., 2003; Frederic et al., 2009).

NM_001999.4(FBN2):c.1443G>C (p.Gln481His)

Gene: FBN2 (fibrillin 2; minus strand). Cytogenetic location: 5q23.3.
Variant type: single nucleotide variant.
Coding change: c.1443G>C on transcript NM_001999.4 (MANE Select); coding-DNA position 1443, G replaced by C.
Protein change: p.Gln481His; replaces glutamine 481 with histidine.
Molecular consequence: missense variant.
Genome position (GRCh38, 1-based): chr5:128,393,157, C>G on the plus strand (G>C on the coding strand, the complement: FBN2 is on the minus strand). VCF-style: chr5-128393157-C-G. GRCh37 (hg19) VCF-style: chr5-127728850-C-G.
Other names: short protein forms Q481H.
Identifiers: ClinVar variation 1192077 (VCV001192077.10), dbSNP rs923812426, ClinGen allele CA127033703.